The following is an entry in ClinVar:

ClinVar aggregate classification (germline): Pathogenic (1 of 4 stars; one submission).

Conditions:
Ehlers-Danlos syndrome, type 4 (EDSVASC). Also called: Ehlers-Danlos Syndrome Type IV; Ehlers-Danlos syndrome vascular type; Ehlers Danlos syndrome, ecchymotic type; Ehlers Danlos syndrome, arterial type; Ehlers Danlos syndrome, Sack-Barabas type. Identifiers: Orphanet 286, MedGen C0268338, MONDO:0017314, OMIM 130050.

Submission:

Labcorp Genetics (formerly Invitae), Labcorp
Classification: Pathogenic for Ehlers-Danlos syndrome, type 4. Last evaluated: 2023-05-11. Review status: criteria provided, single submitter. Criteria: Invitae Variant Classification Sherloc (09022015). Collection method: clinical testing. Allele origin: germline.
Comment: For these reasons, this variant has been classified as Pathogenic. This variant disrupts the triple helix domain of COL3A1. Glycine residues within the Gly-Xaa-Yaa repeats of the triple helix domain are required for the structure and stability of fibrillar collagens (PMID: 7695699, 8218237, 19344236). In COL3A1, variants that affect these glycine residues are significantly enriched in individuals with disease (PMID: 24922459, 25758994) compared to the general population (ExAC). Advanced modeling of protein sequence and biophysical properties (such as structural, functional, and spatial information, amino acid conservation, physicochemical variation, residue mobility, and thermodynamic stability) performed at Invitae indicates that this missense variant is expected to disrupt COL3A1 protein function. This missense change has been observed in individuals with autosomal dominant vascular Ehlers-Danlos syndrome (PMID: 25758994; Invitae). This variant is not present in population databases (gnomAD no frequency). This sequence change replaces glycine, which is neutral and non-polar, with aspartic acid, which is acidic and polar, at codon 564 of the COL3A1 protein (p.Gly564Asp).

Literature cited by the submitters: PubMed 7695699; PubMed 8218237; PubMed 19344236; PubMed 24922459; PubMed 25758994.

NM_000090.4(COL3A1):c.1691G>A (p.Gly564Asp)

Gene: COL3A1 (collagen type III alpha 1 chain; plus strand). Cytogenetic location: 2q32.2.
Variant type: single nucleotide variant.
Coding change: c.1691G>A on transcript NM_000090.4 (MANE Select); coding-DNA position 1691, G replaced by A.
Protein change: p.Gly564Asp; replaces glycine 564 with aspartic acid.
Molecular consequence: missense variant.
Genome position (GRCh38, 1-based): chr2:188,996,426, G>A. VCF-style: chr2-188996426-G-A. GRCh37 (hg19) VCF-style: chr2-189861152-G-A.
Other names: short protein forms G564D.
Identifiers: ClinVar variation 2734342 (VCV002734342.3), dbSNP rs193922176, ClinGen allele CA349852652.